The following is an entry in ClinVar:

NM_004713.6(NEMF):c.225C>G (p.Ala75=)

Gene: NEMF (nuclear export mediator factor; minus strand). Cytogenetic location: 14q21.3.
Variant type: single nucleotide variant.
Coding change: c.225C>G on transcript NM_004713.6 (MANE Select); coding-DNA position 225, C replaced by G.
Protein change: p.Ala75=; no amino-acid change (alanine 75 retained).
Molecular consequence: synonymous variant.
Genome position (GRCh38, 1-based): chr14:49,851,569, G>C on the plus strand (C>G on the coding strand, the complement: NEMF is on the minus strand). VCF-style: chr14-49851569-G-C. GRCh37 (hg19) VCF-style: chr14-50318287-G-C.
Other names: c.225C>G, p.Ala75= (NM_001301732.3).
Identifiers: ClinVar variation 770996 (VCV000770996.36), dbSNP rs75778865, ClinGen allele CA7175732.

ClinVar aggregate classification (germline): Benign. Review status: criteria provided, multiple submitters, no conflicts (2 of 4 stars). 4 submissions from 4 submitters: Benign (3). 1 of the submissions does not count toward it. Last evaluated 2026-09-01.

Conditions:
NEMF-related disorder. Also called: NEMF-related condition.

Allele frequency attached by ClinVar (database versions not stated): 1000 Genomes Project 0.00459; 1000 Genomes Project 30x 0.00484; TOPMed 0.00644; ExAC 0.00667; gnomAD exomes 0.00683; ESP Exome Variant Server 0.00707; gnomAD 0.00819.
gnomAD v4.1: 14,249 of 1,608,920 alleles (0.89%); highest among the groups gnomAD compares: Non-Finnish European, 1%; 87 homozygotes.

Submissions (4):

CeGaT Center for Human Genetics Tuebingen
Classification: Benign. Last evaluated: 2026-09-01. Review status: criteria provided, single submitter. Criteria: CeGaT Center For Human Genetics Tuebingen Variant Classification Criteria Version 2. Collection method: clinical testing. Allele origin: germline. Affected: yes. Observed: 41 variant alleles.
Comment: NEMF: BP4, BP7, BS1, BS2

Labcorp Genetics (formerly Invitae), Labcorp
Classification: Benign. Last evaluated: 2018-12-31. Review status: criteria provided, single submitter. Criteria: Invitae Variant Classification Sherloc (09022015). Collection method: clinical testing. Allele origin: germline.

Breakthrough Genomics
Classification: Benign. Review status: criteria provided, single submitter. Criteria: ACMG Guidelines, 2015. Collection method: not provided. Allele origin: germline. Inheritance: Autosomal recessive inheritance. Affected: yes.

PreventionGenetics, part of Exact Sciences
Classification: Benign for NEMF-related condition. Last evaluated: 2019-04-11. Review status: no assertion criteria provided. Collection method: clinical testing. Allele origin: germline. Not counted in ClinVar's aggregate classification.
Comment: This variant is classified as benign based on ACMG/AMP sequence variant interpretation guidelines (Richards et al. 2015 PMID: 25741868, with internal and published modifications).